The following is an entry in ClinVar:

ClinVar aggregate classification (germline): Uncertain significance (1 of 4 stars; one submission).

Conditions:
Testosterone 17-beta-dehydrogenase deficiency. Also called: 46,XY disorder of sex development due to 17-beta-hydroxysteroid dehydrogenase 3 deficiency; Pseudohermaphroditism male with gynecomastia; 17-beta hydroxysteroid dehydrogenase 3 deficiency; 17 alpha ketosteroid reductase deficiency of testis; 17 alpha KSR deficiency; Neutral 17 beta hydroxysteroid oxidoreductase deficiency. Identifiers: Orphanet 752, MedGen C0268296, MONDO:0009916, OMIM 264300. Disease mechanism: loss of function.

gnomAD v4.1: 1 of 1,614,104 alleles (0.000062%); highest among the groups gnomAD compares: Non-Finnish European, 0.000085%; no homozygotes.

Submission:

Center of Excellence of Human Genetics, National Research Center
Classification: Uncertain significance for Testosterone 17-beta-dehydrogenase deficiency. Review status: criteria provided, single submitter. Criteria: ACMG Guidelines, 2015. Collection method: clinical testing. Allele origin: germline. Inheritance: Autosomal recessive inheritance. Affected: yes.
Comment: The NM_000197.2:c.672+5G>A variant in the HSD17B3 gene is not detected in the gnomAD population database. The prediction tools for splice site variation predicted skipping of exon 9. In summary, due to the lack of functional studies, the c.672+5G>A variant meets our criteria to be classified as a VUS.

Literature cited by the submitters: PubMed 32784047.

NM_000197.2(HSD17B3):c.672+5G>A

Genes: HSD17B3 (hydroxysteroid 17-beta dehydrogenase 3; minus strand), SLC35D2-HSD17B3 (SLC35D2-HSD17B3 readthrough; minus strand). Cytogenetic location: 9q22.32.
Variant type: single nucleotide variant.
Coding change: c.672+5G>A on transcript NM_000197.2 (MANE Select); 5 bases into the intron after coding-DNA position 672, G replaced by A.
Molecular consequence: intron variant.
Genome position (GRCh38, 1-based): chr9:96,244,324, C>T on the plus strand (G>A on the coding strand, the complement: HSD17B3 is on the minus strand). VCF-style: chr9-96244324-C-T. GRCh37 (hg19) VCF-style: chr9-99006606-C-T.
Identifiers: ClinVar variation 4077406 (VCV004077406.1).